The following is an entry in ClinVar:

ClinVar aggregate classification (germline): Uncertain significance (1 of 4 stars; one submission).

Conditions:
Hypertrophic cardiomyopathy. Also called: HYPERTROPHIC MYOCARDIOPATHY. Identifiers: Orphanet 217569, MedGen C0007194, MeSH D002312, MONDO:0005045, HP:0001639.

Allele frequency attached by ClinVar (database versions not stated): TOPMed below 0.00001; gnomAD 0.00001.

Submission:

Labcorp Genetics (formerly Invitae), Labcorp
Classification: Uncertain significance for Hypertrophic cardiomyopathy. Last evaluated: 2023-03-16. Review status: criteria provided, single submitter. Criteria: Invitae Variant Classification Sherloc (09022015). Collection method: clinical testing. Allele origin: germline.
Comment: In summary, the available evidence is currently insufficient to determine the role of this variant in disease. Therefore, it has been classified as a Variant of Uncertain Significance. Advanced modeling of protein sequence and biophysical properties (such as structural, functional, and spatial information, amino acid conservation, physicochemical variation, residue mobility, and thermodynamic stability) has been performed at Invitae for this missense variant, however the output from this modeling did not meet the statistical confidence thresholds required to predict the impact of this variant on MYH7 protein function. This variant has not been reported in the literature in individuals affected with MYH7-related conditions. This variant is not present in population databases (gnomAD no frequency). This sequence change replaces isoleucine, which is neutral and non-polar, with valine, which is neutral and non-polar, at codon 1912 of the MYH7 protein (p.Ile1912Val).

NM_000257.4(MYH7):c.5734A>G (p.Ile1912Val)

Gene: MYH7 (myosin heavy chain 7; minus strand). Cytogenetic location: 14q11.2.
Variant type: single nucleotide variant.
Coding change: c.5734A>G on transcript NM_000257.4 (MANE Select); coding-DNA position 5734, A replaced by G.
Protein change: p.Ile1912Val; replaces isoleucine 1912 with valine.
Molecular consequence: missense variant.
Genome position (GRCh38, 1-based): chr14:23,413,815, T>C on the plus strand (A>G on the coding strand, the complement: MYH7 is on the minus strand). VCF-style: chr14-23413815-T-C. GRCh37 (hg19) VCF-style: chr14-23883024-T-C.
Other names: c.5734A>G, p.Ile1912Val (NM_001407004.1); short protein forms I1912V.
Identifiers: ClinVar variation 2984187 (VCV002984187.3), dbSNP rs1396486231, ClinGen allele CA389034588.